The following is an entry in ClinVar:

NM_003119.4(SPG7):c.1931C>T (p.Thr644Ile)

Gene: SPG7 (SPG7 matrix AAA peptidase subunit, paraplegin; plus strand). Cytogenetic location: 16q24.3.
Variant type: single nucleotide variant.
Coding change: c.1931C>T on transcript NM_003119.4 (MANE Select); coding-DNA position 1931, C replaced by T.
Protein change: p.Thr644Ile; replaces threonine 644 with isoleucine.
Molecular consequence: missense variant.
Genome position (GRCh38, 1-based): chr16:89,553,130, C>T. VCF-style: chr16-89553130-C-T. GRCh37 (hg19) VCF-style: chr16-89619538-C-T.
Other names: c.1931C>T, p.Thr644Ile (NM_001363850.1); short protein forms T644I.
Identifiers: ClinVar variation 451927 (VCV000451927.4), dbSNP rs758702550, ClinGen allele CA397432955.
Genomic context (GRCh38, chr16:89,553,130, plus strand): 5'-AGCGGATGTGCATGGCCCTGGGAGGACGGGCCTCGGAAGCACTGTCCTTCAACGAGGTCA[C>T]TTCTGGTGAGGAGCAGCGGCGCGGGCCCTGGAGGTTTCAGAGCGCTTTTCCCTGCATGAC-3'
Protein context (NP_003110.1, residues 634-654): ASEALSFNEV[Thr644Ile]SGAQDDLRKV

ClinVar aggregate classification (germline): Conflicting classifications of pathogenicity. Review status: criteria provided, conflicting classifications (1 of 4 stars). 3 submissions from 3 submitters: Likely pathogenic (1); Uncertain significance (2). Last evaluated 2022-05-04.

Conditions:
Hereditary spastic paraplegia 7 (SPG7). Also called: Spastic paraplegia 7; Hereditary spastic paraplegia Paraplegin type; SPG7-related neurologic disorder; Autosomal recessive spastic paraplegia type 7; SPASTIC PARAPLEGIA 7, AUTOSOMAL RECESSIVE, WITH OR WITHOUT CEREBELLAR ATAXIA. Identifiers: Orphanet 99013, MedGen C1846564, MONDO:0011803, OMIM 607259.

gnomAD v4.1: 1 of 1,607,382 alleles (0.000062%); highest among the groups gnomAD compares: Non-Finnish European, 0.000085%; no homozygotes.

Submissions (3):

Athena Diagnostics
Classification: Uncertain significance. Last evaluated: 2022-05-04. Review status: criteria provided, single submitter. Criteria: Athena Diagnostics Criteria. Collection method: clinical testing. Allele origin: unknown.

Labcorp Genetics (formerly Invitae), Labcorp
Classification: Uncertain significance for Spastic paraplegia 7. Last evaluated: 2019-06-03. Review status: criteria provided, single submitter. Criteria: Invitae Variant Classification Sherloc (09022015). Collection method: clinical testing. Allele origin: germline.
Comment: This sequence change replaces threonine with isoleucine at codon 644 of the SPG7 protein (p.Thr644Ile). The threonine residue is highly conserved and there is a moderate physicochemical difference between threonine and isoleucine. This variant is not present in population databases (ExAC no frequency). This variant has not been reported in the literature in individuals with SPG7-related conditions. ClinVar contains an entry for this variant (Variation ID: 451927). Algorithms developed to predict the effect of missense changes on protein structure and function (SIFT, PolyPhen-2, Align-GVGD) all suggest that this variant is likely to be disruptive, but these predictions have not been confirmed by published functional studies and their clinical significance is uncertain. In summary, the available evidence is currently insufficient to determine the role of this variant in disease. Therefore, it has been classified as a Variant of Uncertain Significance.

GeneDx
Classification: Likely pathogenic. Last evaluated: 2017-09-14. Review status: criteria provided, single submitter. Criteria: GeneDx Variant Classification (06012015). Collection method: clinical testing. Allele origin: germline. Affected: yes.
Comment: The T644I variant in the SPG7 gene has not been reported previously as a pathogenic variant, nor as a benign variant, to our knowledge. The T644I variant is not observed in large population cohorts (Lek et al., 2016; 1000 Genomes Consortium et al., 2015; Exome Variant Server). The T644I variant is a non-conservative amino acid substitution, which is likely to impact secondary protein structure as these residues differ in polarity, charge, size and/or other properties. This substitution occurs at a position that is conserved across species. In silico analysis predicts this variant is probably damaging to the protein structure/function. We interpret T644I as a likely pathogenic variant.

Literature cited by the submitters: PubMed 33144682 (cited by Athena Diagnostics).